The following is an entry in ClinVar:

ClinVar aggregate classification (germline): Likely benign (0 of 4 stars; one submission).

Conditions:
BRF1-related disorder. Also called: BRF1-related condition.

gnomAD v4.1: 14 of 1,612,910 alleles (0.00087%); highest among the groups gnomAD compares: Non-Finnish European, 0.00025%; no homozygotes.

Submission:

PreventionGenetics, part of Exact Sciences
Classification: Likely benign for BRF1-related condition. Last evaluated: 2019-05-24. Review status: no assertion criteria provided. Collection method: clinical testing. Allele origin: germline.
Comment: This variant is classified as likely benign based on ACMG/AMP sequence variant interpretation guidelines (Richards et al. 2015 PMID: 25741868, with internal and published modifications).

NM_001519.4(BRF1):c.915+5C>G

Gene: BRF1 (BRF1 general transcription factor IIIB subunit; minus strand). Cytogenetic location: 14q32.33.
Variant type: single nucleotide variant.
Coding change: c.915+5C>G on transcript NM_001519.4 (MANE Select); 5 bases into the intron after coding-DNA position 915, C replaced by G.
Molecular consequence: intron variant.
Genome position (GRCh38, 1-based): chr14:105,226,629, G>C on the plus strand (C>G on the coding strand, the complement: BRF1 is on the minus strand). VCF-style: chr14-105226629-G-C. GRCh37 (hg19) VCF-style: chr14-105692966-G-C.
Other names: c.570+5C>G (NM_001242787.2, NM_001242786.2); c.834+5C>G (NM_001242788.2); c.201+5C>G (NM_001242789.2); c.303+5C>G (NM_145685.3).
Identifiers: ClinVar variation 3044004 (VCV003044004.2), dbSNP rs758038542, ClinGen allele CA266556108.
Genomic context (GRCh38, chr14:105,226,629, plus strand): 5'-GGGGTGTGTGGCTTCCCCCCAAGGCTGGCAAGCCCAGCACAGACAGACACCAAAGCCGGC[G>C]CTACCTGCTTCATCCGCAGCTTCCTCTGCCCAGCTGTGTACGAGGGGGGGTCGCACTCCT-3'